The following is an entry in ClinVar:

NM_006757.4(TNNT3):c.509C>T (p.Thr170Ile)

Gene: TNNT3 (troponin T3, fast skeletal type; plus strand). Cytogenetic location: 11p15.5.
Variant type: single nucleotide variant.
Coding change: c.509C>T on transcript NM_006757.4 (MANE Select); coding-DNA position 509, C replaced by T.
Protein change: p.Thr170Ile; replaces threonine 170 with isoleucine.
Molecular consequence: missense variant.
Genome position (GRCh38, 1-based): chr11:1,934,574, C>T. VCF-style: chr11-1934574-C-T. GRCh37 (hg19) VCF-style: chr11-1955804-C-T.
Other names: c.485C>T, p.Thr162Ile (NM_001042780.3, NM_001042782.3, NM_001297646.2 and 2 more transcripts); c.503C>T, p.Thr168Ile (NM_001042781.3, NM_001367842.1, NM_001367843.1); c.518C>T, p.Thr173Ile (NM_001363561.2, NM_001367847.1); c.542C>T, p.Thr181Ile (NM_001367846.1); c.506C>T, p.Thr169Ile (NM_001367848.1); c.497C>T, p.Thr166Ile (NM_001367849.1); c.452C>T, p.Thr151Ile (NM_001367850.1); c.305C>T, p.Thr102Ile (NM_001367851.1, NM_001367852.1); short protein forms T102I, T168I, T170I, T166I, T181I, T151I, T162I, T169I.
Identifiers: ClinVar variation 3644898 (VCV003644898.2).

ClinVar aggregate classification (germline): Uncertain significance (1 of 4 stars; one submission).

gnomAD v4.1: 1 of 1,609,746 alleles (0.000062%); highest among the groups gnomAD compares: Non-Finnish European, 0.000085%; no homozygotes.

Submission:

Labcorp Genetics (formerly Invitae), Labcorp
Classification: Uncertain significance. Last evaluated: 2024-12-16. Review status: criteria provided, single submitter. Criteria: Invitae Variant Classification Sherloc (09022015). Collection method: clinical testing. Allele origin: germline.
Comment: This sequence change replaces threonine, which is neutral and polar, with isoleucine, which is neutral and non-polar, at codon 170 of the TNNT3 protein (p.Thr170Ile). This variant is not present in population databases (gnomAD no frequency). This variant has not been reported in the literature in individuals affected with TNNT3-related conditions. An algorithm developed to predict the effect of missense changes on protein structure and function (PolyPhen-2) suggests that this variant is likely to be disruptive. In summary, the available evidence is currently insufficient to determine the role of this variant in disease. Therefore, it has been classified as a Variant of Uncertain Significance.